The following is an entry in ClinVar:

ClinVar aggregate classification (germline): Uncertain significance. Review status: criteria provided, multiple submitters, no conflicts (2 of 4 stars). 2 submissions from 2 submitters: Uncertain significance (2). Last evaluated 2024-03-06.

Conditions:
Familial thoracic aortic aneurysm and aortic dissection (TAAD). Also called: Thoracic aortic aneurysms and dissections. Identifiers: Orphanet 91387, MedGen C4707243, MONDO:0019625.

Submissions (2):

Color Diagnostics, LLC DBA Color Health
Classification: Uncertain significance for Familial thoracic aortic aneurysm and aortic dissection. Last evaluated: 2024-03-06. Review status: criteria provided, single submitter. Criteria: ACMG Guidelines, 2015. Collection method: clinical testing. Allele origin: germline.
Comment: This missense variant replaces asparagine with lysine at codon 312 of the MYH11 protein. Computational prediction tool suggests that this variant may not impact protein structure and function (internally defined REVEL score threshold <=0.5, PMID: 27666373). Splice site prediction tools suggest that this variant may not impact RNA splicing. To our knowledge, functional studies have not been performed for this variant. This variant has not been reported in individuals affected with cardiovascular disorders in the literature. This variant has not been identified in the general population by the Genome Aggregation Database (gnomAD). The available evidence is insufficient to determine the role of this variant in disease conclusively. Therefore, this variant is classified as a Variant of Uncertain Significance.

CHEO Genetics Diagnostic Laboratory, Children's Hospital of Eastern Ontario
Classification: Uncertain significance for Familial thoracic aortic aneurysm and aortic dissection. Last evaluated: 2020-06-19. Review status: criteria provided, single submitter. Criteria: ACMG Guidelines, 2015. Collection method: clinical testing. Allele origin: germline.

NM_002474.3(MYH11):c.915C>G (p.Asn305Lys)

Gene: MYH11 (myosin heavy chain 11; minus strand). Cytogenetic location: 16p13.11.
Variant type: single nucleotide variant.
Coding change: c.915C>G on transcript NM_002474.3 (MANE Select); coding-DNA position 915, C replaced by G.
Protein change: p.Asn305Lys; replaces asparagine 305 with lysine.
Molecular consequence: missense variant.
Genome position (GRCh38, 1-based): chr16:15,771,687, G>C on the plus strand (C>G on the coding strand, the complement: MYH11 is on the minus strand). VCF-style: chr16-15771687-G-C. GRCh37 (hg19) VCF-style: chr16-15865544-G-C.
Other names: c.936C>G, p.Asn312Lys (NM_001040113.2, NM_001040114.2); c.915C>G, p.Asn305Lys (NM_022844.3); short protein forms N305K, N312K.
Identifiers: ClinVar variation 925728 (VCV000925728.6), dbSNP rs2042105489, ClinGen allele CA394868114.
Genomic context (GRCh38, chr16:15,771,687, plus strand): 5'-CATCTCATCATCCTGGGCTGCTGGGATGGGCACAAAGCCATTGGAGAGGAAGGTGTAGTT[G>C]TTGAAGCCCTCCAAAAGCAAGTCACCTAGAAGGAGAGGAAGACAGGTCAGGGTCAATAAG-3'
Protein context (NP_002465.1, residues 295-315): MRSDLLLEGF[Asn305Lys]NYTFLSNGFV